The following is an entry in ClinVar:

NM_022124.6(CDH23):c.9458C>T (p.Pro3153Leu)

Gene: CDH23 (cadherin related 23; plus strand). Cytogenetic location: 10q22.1.
Variant type: single nucleotide variant.
Coding change: c.9458C>T on transcript NM_022124.6 (MANE Select); coding-DNA position 9458, C replaced by T.
Protein change: p.Pro3153Leu; replaces proline 3153 with leucine.
Molecular consequence: missense variant.
Genome position (GRCh38, 1-based): chr10:71,812,557, C>T. VCF-style: chr10-71812557-C-T. GRCh37 (hg19) VCF-style: chr10-73572314-C-T.
Other names: c.2738C>T, p.Pro913Leu (NM_001171933.1, NM_001171934.1); c.149C>T, p.Pro50Leu (NM_001171935.1, NM_001171936.1); short protein forms P3153L, P50L, P913L.
Identifiers: ClinVar variation 990963 (VCV000990963.4), dbSNP rs762930029, ClinGen allele CA5547085.

ClinVar aggregate classification (germline): Uncertain significance. Review status: criteria provided, single submitter (1 of 4 stars). 2 submissions from 2 submitters: Uncertain significance (1). 1 of the submissions does not count toward it. Last evaluated 2023-08-10.

Conditions:
Usher syndrome type 1 (USH1). Also called: RETINITIS PIGMENTOSA AND CONGENITAL DEAFNESS. Identifiers: Orphanet 231169, Orphanet 886, MedGen C1568247, MONDO:0010168, OMIM 276900.

Allele frequency attached by ClinVar (database versions not stated): TOPMed 0.00001.
gnomAD v4.1: 11 of 1,613,922 alleles (0.00068%); highest among the groups gnomAD compares: Middle Eastern, 0.016%; no homozygotes.

Submissions (2):

Labcorp Genetics (formerly Invitae), Labcorp
Classification: Uncertain significance. Last evaluated: 2023-08-10. Review status: criteria provided, single submitter. Criteria: Invitae Variant Classification Sherloc (09022015). Collection method: clinical testing. Allele origin: germline.
Comment: This sequence change replaces proline, which is neutral and non-polar, with leucine, which is neutral and non-polar, at codon 3153 of the CDH23 protein (p.Pro3153Leu). In summary, the available evidence is currently insufficient to determine the role of this variant in disease. Therefore, it has been classified as a Variant of Uncertain Significance. Advanced modeling of protein sequence and biophysical properties (such as structural, functional, and spatial information, amino acid conservation, physicochemical variation, residue mobility, and thermodynamic stability) performed at Invitae indicates that this missense variant is not expected to disrupt CDH23 protein function. ClinVar contains an entry for this variant (Variation ID: 990963). This variant has not been reported in the literature in individuals affected with CDH23-related conditions. This variant is present in population databases (rs762930029, gnomAD 0.003%).

Natera, Inc.
Classification: Uncertain significance for Usher syndrome type 1. Last evaluated: 2020-04-17. Review status: no assertion criteria provided. Collection method: clinical testing. Allele origin: germline. Not counted in ClinVar's aggregate classification.